The following is an entry in ClinVar:

ClinVar aggregate classification (germline): Likely pathogenic (1 of 4 stars; one submission).

Conditions:
Friedreich ataxia 1 (FRDA1). Identifiers: Orphanet 95, MedGen C1856689, MONDO:0100340, OMIM 229300.

Submission:

Women's Health and Genetics/Laboratory Corporation of America, LabCorp
Classification: Likely pathogenic for Friedreich ataxia 1. Last evaluated: 2025-05-29. Review status: criteria provided, single submitter. Criteria: LabCorp Variant Classification Summary - May 2015. Collection method: clinical testing. Allele origin: germline.
Comment: Variant summary: FXN c.410G>T (p.Gly137Val) results in a non-conservative amino acid change in the encoded protein sequence. Algorithms developed to predict the effect of missense changes on protein structure and function all suggest that this variant is likely to be disruptive. The variant was absent in 251472 control chromosomes. c.410G>T has been observed in individual(s) affected with Friedreich Ataxia (Faggianelli_2015). At least one publication reports experimental evidence evaluating an impact on protein function. The most pronounced variant effect results in <10% of normal activity (Clark_2017). The following publications have been ascertained in the context of this evaluation (PMID: 28812047, 26635519). No submitters have cited clinical-significance assessments for this variant to ClinVar. Based on the evidence outlined above, the variant was classified as likely pathogenic.

Literature cited by the submitters: PubMed 28812047; PubMed 26635519.

NM_000144.5(FXN):c.410G>T (p.Gly137Val)

Gene: FXN (frataxin; plus strand). Cytogenetic location: 9q21.11.
Variant type: single nucleotide variant.
Coding change: c.410G>T on transcript NM_000144.5 (MANE Select); coding-DNA position 410, G replaced by T.
Protein change: p.Gly137Val; replaces glycine 137 with valine.
Molecular consequence: missense variant.
Genome position (GRCh38, 1-based): chr9:69,064,963, G>T. VCF-style: chr9-69064963-G-T. GRCh37 (hg19) VCF-style: chr9-71679879-G-T.
Other names: c.410G>T, p.Gly137Val (NM_181425.3); short protein forms G137V.
Identifiers: ClinVar variation 3902437 (VCV003902437.1).
Genomic context (GRCh38, chr9:69,064,963, plus strand): 5'-ATTTCTTTATGCTTTTTTTCCACCTAATCCCCTAGAGTGGTGTCTTAACTGTCAAACTGG[G>T]TGGAGATCTAGGAACCTATGTGATCAACAAGCAGACGCCAAACAAGCAAATCTGGCTATC-3'
Protein context (NP_000135.2, residues 127-147): FGSGVLTVKL[Gly137Val]GDLGTYVINK